The following is an entry in ClinVar:

ClinVar aggregate classification (germline): Uncertain significance (1 of 4 stars; one submission).

Conditions:
STING-associated vasculopathy with onset in infancy. Also called: Sting-associated vasculopathy, infantile-onset. Identifiers: Orphanet 425120, MedGen C4014722, MONDO:0014405, OMIM 615934.

Submission:

Labcorp Genetics (formerly Invitae), Labcorp
Classification: Uncertain significance for STING-associated vasculopathy with onset in infancy. Last evaluated: 2026-01-13. Review status: criteria provided, single submitter. Criteria: Invitae Variant Classification Sherloc (09022015). Collection method: clinical testing. Allele origin: germline.
Comment: This sequence change replaces arginine, which is basic and polar, with cysteine, which is neutral and slightly polar, at codon 71 of the TMEM173 protein (p.Arg71Cys). This variant is present in population databases (rs768649460, gnomAD 0.0009%). This variant has not been reported in the literature in individuals affected with TMEM173-related conditions. ClinVar contains an entry for this variant (Variation ID: 2983247). Invitae Evidence Modeling of protein sequence and biophysical properties (such as structural, functional, and spatial information, amino acid conservation, physicochemical variation, residue mobility, and thermodynamic stability) indicates that this missense variant is not expected to disrupt TMEM173 protein function with a negative predictive value of 80%. In summary, the available evidence is currently insufficient to determine the role of this variant in disease. Therefore, it has been classified as a Variant of Uncertain Significance.

NM_198282.4(STING1):c.211C>T (p.Arg71Cys)

Gene: STING1 (stimulator of interferon response cGAMP interactor 1; minus strand). Cytogenetic location: 5q31.2.
Variant type: single nucleotide variant.
Coding change: c.211C>T on transcript NM_198282.4 (MANE Select); coding-DNA position 211, C replaced by T.
Protein change: p.Arg71Cys; replaces arginine 71 with cysteine.
Molecular consequence: missense variant. On other transcripts: intron variant (1).
Genome position (GRCh38, 1-based): chr5:139,481,494, G>A on the plus strand (C>T on the coding strand, the complement: STING1 is on the minus strand). VCF-style: chr5-139481494-G-A. GRCh37 (hg19) VCF-style: chr5-138861079-G-A.
Other names: c.211C>T, p.Arg71Cys (NM_001301738.2); c.-130-152C>T (NM_001367258.1); short protein forms R71C.
Identifiers: ClinVar variation 2983247 (VCV002983247.3), dbSNP rs768649460, ClinGen allele CA3435483.
Genomic context (GRCh38, chr5:139,481,494, plus strand): 5'-GACACACGTTGGATACCCCGTCCCTGGGTACTGCAGTGAGTCACCTGGAGTGGATGTGGC[G>A]CAGCTCCTCAGCCAGGCTGCAGACCCCGTTTAACAGCAGTCCCAGCTGCAGGGAGGCTAG-3'
Protein context (NP_938023.1, residues 61-81): NGVCSLAEEL[Arg71Cys]HIHSRYRGSY